The following is an entry in ClinVar:

NM_005609.4(PYGM):c.773-18C>T

Gene: PYGM (glycogen phosphorylase, muscle associated; minus strand). Cytogenetic location: 11q13.1.
Variant type: single nucleotide variant.
Coding change: c.773-18C>T on transcript NM_005609.4 (MANE Select); 18 bases into the intron before coding-DNA position 773, C replaced by T.
Molecular consequence: intron variant.
Genome position (GRCh38, 1-based): chr11:64,755,373, G>A on the plus strand (C>T on the coding strand, the complement: PYGM is on the minus strand). VCF-style: chr11-64755373-G-A. GRCh37 (hg19) VCF-style: chr11-64522845-G-A.
Other names: c.509-18C>T (NM_001164716.1).
Identifiers: ClinVar variation 387256 (VCV000387256.4), dbSNP rs758771932, ClinGen allele CA6080117.

ClinVar aggregate classification (germline): Likely benign. Review status: criteria provided, multiple submitters, no conflicts (2 of 4 stars). 2 submissions from 2 submitters: Likely benign (2). Last evaluated 2025-11-30.

Conditions:
Glycogen storage disease, type V (GSD5). Also called: MYOPHOSPHORYLASE DEFICIENCY; MCARDLE DISEASE; MUSCLE GLYCOGEN PHOSPHORYLASE DEFICIENCY; PYGM DEFICIENCY; McArdle type glycogen storage disease. Identifiers: Orphanet 368, MedGen C0017924, MONDO:0009293, OMIM 232600.

Allele frequency attached by ClinVar (database versions not stated): gnomAD exomes below 0.00001 and 0.00001; TOPMed 0.00001; ExAC 0.00002.

Submissions (2):

Labcorp Genetics (formerly Invitae), Labcorp
Classification: Likely benign for Glycogen storage disease, type V. Last evaluated: 2025-11-30. Review status: criteria provided, single submitter. Criteria: Invitae Variant Classification Sherloc (09022015). Collection method: clinical testing. Allele origin: germline.

GeneDx
Classification: Likely benign. Last evaluated: 2016-07-09. Review status: criteria provided, single submitter. Criteria: GeneDx Variant Classification (06012015). Collection method: clinical testing. Allele origin: germline. Affected: yes.
Comment: This variant is considered likely benign or benign based on one or more of the following criteria: it is a conservative change, it occurs at a poorly conserved position in the protein, it is predicted to be benign by multiple in silico algorithms, and/or has population frequency not consistent with disease.